The following is an entry in ClinVar:

NM_000548.5(TSC2):c.3131+3C>A

Gene: TSC2 (TSC complex subunit 2; plus strand). Cytogenetic location: 16p13.3.
Variant type: single nucleotide variant.
Coding change: c.3131+3C>A on transcript NM_000548.5 (MANE Select); 3 bases into the intron after coding-DNA position 3131, C replaced by A.
Molecular consequence: intron variant.
Genome position (GRCh38, 1-based): chr16:2,079,199, C>A. VCF-style: chr16-2079199-C-A. GRCh37 (hg19) VCF-style: chr16-2129200-C-A.
Other names: c.3131+3C>A (NM_001114382.3); c.3002+3C>A (NM_021055.3, NM_001370405.1, NM_001363528.2); c.2999+3C>A (NM_001370404.1, NM_001077183.3); c.2891+3C>A (NM_001318827.2); c.2399+3C>A (NM_001318831.2); c.2855+3C>A (NM_001318829.2); c.3032+3C>A (NM_001318832.2).
Identifiers: ClinVar variation 535894 (VCV000535894.16), dbSNP rs1420280878, ClinGen allele CA620704907.

ClinVar aggregate classification (germline): Conflicting classifications of pathogenicity. Review status: criteria provided, conflicting classifications (1 of 4 stars). 6 submissions from 6 submitters: Uncertain significance (2); Likely benign (4). Last evaluated 2025-12-14.

Conditions:
Tuberous sclerosis 2 (TSC2). Identifiers: Orphanet 805, MedGen C1860707, MONDO:0013199, OMIM 613254.
Tuberous sclerosis syndrome (TSC). Also called: Tuberous Sclerosis Complex; Tuberous sclerosis. Identifiers: Orphanet 805, MedGen C0041341, MONDO:0001734.
Hereditary cancer-predisposing syndrome. Also called: Neoplastic Syndromes, Hereditary; Tumor predisposition; Hereditary Cancer Syndrome; Hereditary neoplastic syndrome. Identifiers: Orphanet 140162, MedGen C0027672, MeSH D009386, MONDO:0015356.

Allele frequency attached by ClinVar (database versions not stated): gnomAD exomes below 0.00001.
gnomAD v4.1: 30 of 1,612,844 alleles (0.0019%); highest among the groups gnomAD compares: Non-Finnish European, 0.0024%; no homozygotes.

Submissions (6):

Labcorp Genetics (formerly Invitae), Labcorp
Classification: Likely benign for Tuberous sclerosis 2. Last evaluated: 2025-12-14. Review status: criteria provided, single submitter. Criteria: Invitae Variant Classification Sherloc (09022015). Collection method: clinical testing. Allele origin: germline.

Color Diagnostics, LLC DBA Color Health
Classification: Likely benign for Tuberous sclerosis syndrome. Last evaluated: 2025-07-21. Review status: criteria provided, single submitter. Criteria: ACMG Guidelines, 2015. Collection method: clinical testing. Allele origin: germline.

Quest Diagnostics Nichols Institute San Juan Capistrano
Classification: Uncertain significance. Last evaluated: 2024-08-22. Review status: criteria provided, single submitter. Criteria: Quest Diagnostics criteria. Collection method: clinical testing. Allele origin: unknown.
Comment: The TSC2 c.3131+3C>A variant has not been reported in individuals with TSC2-related conditions in the published literature. The frequency of this variant in the general population, 0.000004 (1/250330 chromosomes (Genome Aggregation Database)), is uninformative in the assessment of its pathogenicity. Analysis of this variant using software algorithms for the prediction of the effect of nucleotide changes on splicing yielded predictions that this variant does not affect TSC2 mRNA splicing. Based on the available information, we are unable to determine the clinical significance of this variant.

Women's Health and Genetics/Laboratory Corporation of America, LabCorp
Classification: Uncertain significance. Last evaluated: 2024-03-05. Review status: criteria provided, single submitter. Criteria: LabCorp Variant Classification Summary - May 2015. Collection method: clinical testing. Allele origin: germline.
Comment: Variant summary: TSC2 c.3131+3C>A alters a non-conserved nucleotide located close to a canonical splice site and therefore could affect mRNA splicing, leading to a significantly altered protein sequence. Consensus agreement among computation tools predict no significant impact on normal splicing. However, these predictions have yet to be confirmed by functional studies. The variant allele was found at a frequency of 4e-06 in 250330 control chromosomes. The available data on variant occurrences in the general population are insufficient to allow any conclusion about variant significance. To our knowledge, no occurrence of c.3131+3C>A in individuals affected with Tuberous Sclerosis Complex and no experimental evidence demonstrating its impact on protein function have been reported. ClinVar contains an entry for this variant (Variation ID: 535894). Based on the evidence outlined above, the variant was classified as uncertain significance.

Myriad Genetics, Inc.
Classification: Likely benign for Tuberous sclerosis 2. Last evaluated: 2023-12-19. Review status: criteria provided, single submitter. Criteria: Myriad Autosomal Dominant, Autosomal Recessive and X-Linked Classification Criteria (2023). Collection method: clinical testing. Allele origin: unknown.
Comment: This variant is considered likely benign. This variant is intronic and is not expected to impact mRNA splicing.

Ambry Genetics
Classification: Likely benign for Hereditary cancer-predisposing syndrome. Last evaluated: 2020-01-28. Review status: criteria provided, single submitter. Criteria: Ambry Variant Classification Scheme 2023. Collection method: clinical testing. Allele origin: germline.